The following is an entry in ClinVar:

NM_003285.3(TNR):c.2761A>G (p.Thr921Ala)

Gene: TNR (tenascin R; minus strand). Cytogenetic location: 1q25.1.
Variant type: single nucleotide variant.
Coding change: c.2761A>G on transcript NM_003285.3 (MANE Select); coding-DNA position 2761, A replaced by G.
Protein change: p.Thr921Ala; replaces threonine 921 with alanine.
Molecular consequence: missense variant.
Genome position (GRCh38, 1-based): chr1:175,362,756, T>C on the plus strand (A>G on the coding strand, the complement: TNR is on the minus strand). VCF-style: chr1-175362756-T-C. GRCh37 (hg19) VCF-style: chr1-175331892-T-C.
Other names: c.1762A>G, p.Thr588Ala (NM_001328635.2); short protein forms T588A, T921A.
Identifiers: ClinVar variation 3051118 (VCV003051118.2), dbSNP rs76938240, ClinGen allele CA1255538.
Genomic context (GRCh38, chr1:175,362,756, plus strand): 5'-CCTCCCTGCCCCGCACGCTGTTGAGGCTGATTTCGTATTCGGTAGCTGGGTTCAGTCTGG[T>C]GATGGTGAATTCTGTCACAGTGTTGGGCACCACTGAGCTGTCTAGTCGTCCCACTGGAGA-3'
Protein context (NP_003276.3, residues 911-931): VPNTVTEFTI[Thr921Ala]RLNPATEYEI

ClinVar aggregate classification (germline): Likely benign (0 of 4 stars; one submission).

Conditions:
TNR-related disorder. Also called: TNR-related condition.

Allele frequency attached by ClinVar (database versions not stated): gnomAD exomes 0.00008; ExAC 0.00027; 1000 Genomes Project 0.00040; 1000 Genomes Project 30x 0.00047; gnomAD 0.00082; ESP Exome Variant Server 0.00085; TOPMed 0.00085.
gnomAD v4.1: 245 of 1,614,084 alleles (0.015%); highest among the groups gnomAD compares: African/African-American, 0.29%; no homozygotes.

Submission:

PreventionGenetics, part of Exact Sciences
Classification: Likely benign for TNR-related condition. Last evaluated: 2023-06-06. Review status: no assertion criteria provided. Collection method: clinical testing. Allele origin: germline.
Comment: This variant is classified as likely benign based on ACMG/AMP sequence variant interpretation guidelines (Richards et al. 2015 PMID: 25741868, with internal and published modifications).